The following is an entry in ClinVar:

NC_000020.10:g.(?_32369077)_(32369213_?)del

Gene: ZNF341 (zinc finger protein 341; plus strand). Cytogenetic location: 20q11.22.
Variant type: Deletion.
Identifiers: ClinVar variation 3248357 (VCV003248357.1).

ClinVar aggregate classification (germline): Pathogenic (1 of 4 stars; one submission).

Submission:

Labcorp Genetics (formerly Invitae), Labcorp
Classification: Pathogenic. Last evaluated: 2023-10-25. Review status: criteria provided, single submitter. Criteria: Invitae Variant Classification Sherloc (09022015). Collection method: clinical testing. Allele origin: unknown.
Comment: This variant is a gross deletion of the genomic region encompassing exon(s) 11 of the ZNF341 gene. This deletion is out-of-frame, and is expected to create a premature termination codon and result in an absent or disrupted protein product. Loss-of-function variants in ZNF341 are known to be pathogenic (PMID: 29907690, 29907691). This variant has not been reported in the literature in individuals affected with ZNF341-related conditions. For these reasons, this variant has been classified as Pathogenic.

Literature cited by the submitters: PubMed 29907690; PubMed 29907691.